The following is an entry in ClinVar:

NM_001099922.3(ALG13):c.1310G>A (p.Gly437Glu)

Gene: ALG13 (ALG13 UDP-N-acetylglucosaminyltransferase subunit; plus strand). Cytogenetic location: Xq23.
Variant type: single nucleotide variant.
Coding change: c.1310G>A on transcript NM_001099922.3 (MANE Select); coding-DNA position 1310, G replaced by A.
Protein change: p.Gly437Glu; replaces glycine 437 with glutamic acid.
Molecular consequence: missense variant. On other transcripts: non-coding transcript variant (1).
Genome position (GRCh38, 1-based): chrX:111,720,154, G>A. VCF-style: chrX-111720154-G-A. GRCh37 (hg19) VCF-style: chrX-110963382-G-A.
Other names: c.998G>A, p.Gly333Glu (NM_001257230.2, NM_001257234.2, NM_001257237.2 and 1 more transcripts); c.1076G>A, p.Gly359Glu (NM_001257231.2); c.1310G>A, p.Gly437Glu (NM_001324292.2); short protein forms G333E, G359E, G437E.
Identifiers: ClinVar variation 2764524 (VCV002764524.3), dbSNP rs2525785609, ClinGen allele CA414251371.

ClinVar aggregate classification (germline): Uncertain significance (1 of 4 stars; one submission).

Conditions:
Developmental and epileptic encephalopathy, 36 (DEE36). Also called: Epileptic encephalopathy, early infantile, 36; Congenital disorder of glycosylation, type Is; ALG13-CDG. Identifiers: Orphanet 324422, MedGen C4317295, MONDO:0010472, OMIM 300884.

Submission:

Labcorp Genetics (formerly Invitae), Labcorp
Classification: Uncertain significance for Developmental and epileptic encephalopathy, 36. Last evaluated: 2023-09-30. Review status: criteria provided, single submitter. Criteria: Invitae Variant Classification Sherloc (09022015). Collection method: clinical testing. Allele origin: germline.
Comment: In summary, the available evidence is currently insufficient to determine the role of this variant in disease. Therefore, it has been classified as a Variant of Uncertain Significance. Advanced modeling of protein sequence and biophysical properties (such as structural, functional, and spatial information, amino acid conservation, physicochemical variation, residue mobility, and thermodynamic stability) performed at Invitae indicates that this missense variant is not expected to disrupt ALG13 protein function. This variant has not been reported in the literature in individuals affected with ALG13-related conditions. This variant is not present in population databases (gnomAD no frequency). This sequence change replaces glycine, which is neutral and non-polar, with glutamic acid, which is acidic and polar, at codon 437 of the ALG13 protein (p.Gly437Glu).